The following is an entry in ClinVar:

ClinVar aggregate classification (germline): Pathogenic (1 of 4 stars; one submission).

gnomAD v4.1: 1 of 1,536,634 alleles (0.000065%); highest among the groups gnomAD compares: Non-Finnish European, 0.000087%; no homozygotes.

Submission:

Labcorp Genetics (formerly Invitae), Labcorp
Classification: Pathogenic. Last evaluated: 2024-06-04. Review status: criteria provided, single submitter. Criteria: Invitae Variant Classification Sherloc (09022015). Collection method: clinical testing. Allele origin: germline.
Comment: This sequence change replaces cysteine, which is neutral and slightly polar, with tyrosine, which is neutral and polar, at codon 59 of the AVP protein (p.Cys59Tyr). This variant is not present in population databases (gnomAD no frequency). This missense change has been observed in individual(s) with neurohypophyseal diabetes insipidus (PMID: 11150885). It has also been observed to segregate with disease in related individuals. An algorithm developed to predict the effect of missense changes on protein structure and function (PolyPhen-2) suggests that this variant is likely to be disruptive. For these reasons, this variant has been classified as Pathogenic.

Literature cited by the submitters: PubMed 11150885.

NM_000490.5(AVP):c.176G>A (p.Cys59Tyr)

Gene: AVP (arginine vasopressin; minus strand). Cytogenetic location: 20p13.
Variant type: single nucleotide variant.
Coding change: c.176G>A on transcript NM_000490.5 (MANE Select); coding-DNA position 176, G replaced by A.
Protein change: p.Cys59Tyr; replaces cysteine 59 with tyrosine.
Molecular consequence: missense variant.
Genome position (GRCh38, 1-based): chr20:3,083,123, C>T on the plus strand (G>A on the coding strand, the complement: AVP is on the minus strand). VCF-style: chr20-3083123-C-T. GRCh37 (hg19) VCF-style: chr20-3063769-C-T.
Other names: short protein forms C59Y.
Identifiers: ClinVar variation 3723690 (VCV003723690.2).